The following is an entry in ClinVar:

NM_054012.4(ASS1):c.516G>A (p.Pro172=)

Gene: ASS1 (argininosuccinate synthase 1; plus strand). Cytogenetic location: 9q34.11.
Variant type: single nucleotide variant.
Coding change: c.516G>A on transcript NM_054012.4 (MANE Select); coding-DNA position 516, G replaced by A.
Protein change: p.Pro172=; no amino-acid change (proline 172 retained).
Molecular consequence: synonymous variant.
Genome position (GRCh38, 1-based): chr9:130,470,854, G>A. VCF-style: chr9-130470854-G-A. GRCh37 (hg19) VCF-style: chr9-133346241-G-A.
Other names: c.516G>A, p.Pro172= (NM_000050.4).
Identifiers: ClinVar variation 3351104 (VCV003351104.2).

ClinVar aggregate classification (germline): Likely benign. Review status: criteria provided, single submitter (1 of 4 stars). 2 submissions from 2 submitters: Likely benign (1). 1 of the submissions does not count toward it. Last evaluated 2026-01-28.

Conditions:
Citrullinemia. Identifiers: Orphanet 187, MedGen C0175683, MONDO:0015991.
ASS1-related disorder. Also called: ASS1-related condition.

gnomAD v4.1: 29 of 1,613,898 alleles (0.0018%); highest among the groups gnomAD compares: African/African-American, 0.0027%; no homozygotes.

Submissions (2):

Labcorp Genetics (formerly Invitae), Labcorp
Classification: Likely benign for Citrullinemia. Last evaluated: 2026-01-28. Review status: criteria provided, single submitter. Criteria: Invitae Variant Classification Sherloc (09022015). Collection method: clinical testing. Allele origin: germline.

PreventionGenetics, part of Exact Sciences
Classification: Likely benign for ASS1-related condition. Last evaluated: 2024-06-10. Review status: no assertion criteria provided. Collection method: clinical testing. Allele origin: germline. Not counted in ClinVar's aggregate classification.
Comment: This variant is classified as likely benign based on ACMG/AMP sequence variant interpretation guidelines (Richards et al. 2015 PMID: 25741868, with internal and published modifications).